The following is an entry in ClinVar:

NM_001042413.2(GLIS3):c.693C>T (p.Tyr231=)

Gene: GLIS3 (GLIS family zinc finger 3; minus strand). Cytogenetic location: 9p24.2.
Variant type: single nucleotide variant.
Coding change: c.693C>T on transcript NM_001042413.2 (MANE Select); coding-DNA position 693, C replaced by T.
Protein change: p.Tyr231=; no amino-acid change (tyrosine 231 retained).
Molecular consequence: synonymous variant.
Genome position (GRCh38, 1-based): chr9:4,118,785, G>A on the plus strand (C>T on the coding strand, the complement: GLIS3 is on the minus strand). VCF-style: chr9-4118785-G-A. GRCh37 (hg19) VCF-style: chr9-4118785-G-A.
Other names: c.228C>T, p.Tyr76= (NM_152629.4); c.693C>T (NM_001042413.1).
Identifiers: ClinVar variation 3664606 (VCV003664606.3).
Genomic context (GRCh38, chr9:4,118,785, plus strand): 5'-GAGATCCCCTAGATCAAGGCCATTCTGAGAGCCGTGGTTGGAGAGCGAAGGGAGGGCCCT[G>A]TAGCCCTGGGACCACTCCTGCTTCATGCTTGAGGCCGACTGACTTTCCGTCAGACTCAAG-3'
Protein context (NP_001035878.1, residues 221-241): SSMKQEWSQG[Tyr231=]RALPSLSNHG

ClinVar aggregate classification (germline): Likely benign. Review status: criteria provided, multiple submitters, no conflicts (2 of 4 stars). 2 submissions from 2 submitters: Likely benign (2). Last evaluated 2026-03-04.

Conditions:
GLIS3-related disorder. Also called: GLIS3-related condition.

gnomAD v4.1: 25 of 1,611,812 alleles (0.0016%); highest among the groups gnomAD compares: African/African-American, 0.023%; no homozygotes.

Submissions (2):

PreventionGenetics, part of Exact Sciences
Classification: Likely benign for GLIS3-related condition. Last evaluated: 2026-03-04. Review status: criteria provided, single submitter. Criteria: ACMG Guidelines, 2015. Collection method: clinical testing. Allele origin: germline.
Comment: This variant is classified as likely benign based on ACMG/AMP sequence variant interpretation guidelines (Richards et al. 2015 PMID: 25741868, with internal and published modifications).

Labcorp Genetics (formerly Invitae), Labcorp
Classification: Likely benign. Last evaluated: 2024-11-22. Review status: criteria provided, single submitter. Criteria: Invitae Variant Classification Sherloc (09022015). Collection method: clinical testing. Allele origin: germline.